The following is an entry in ClinVar:

ClinVar aggregate classification (germline): Benign (1 of 4 stars; one submission).

Allele frequency attached by ClinVar (database versions not stated): gnomAD 0.63327 and 0.64125; TOPMed 0.65053; 1000 Genomes Project 30x 0.72626; 1000 Genomes Project 0.72784.
gnomAD v4.1: 97,337 of 152,082 alleles (64%); highest among the groups gnomAD compares: East Asian, 94%; 31,750 homozygotes.

Submission:

GeneDx
Classification: Benign. Last evaluated: 2018-06-14. Review status: criteria provided, single submitter. Criteria: GeneDx Variant Classification (06012015). Collection method: clinical testing. Allele origin: germline. Affected: yes.
Comment: This variant is considered likely benign or benign based on one or more of the following criteria: it is a conservative change, it occurs at a poorly conserved position in the protein, it is predicted to be benign by multiple in silico algorithms, and/or has population frequency not consistent with disease.

NM_006005.3(WFS1):c.713-1317A>G

Gene: WFS1 (wolframin ER transmembrane glycoprotein; plus strand). Cytogenetic location: 4p16.1.
Variant type: single nucleotide variant.
Coding change: c.713-1317A>G on transcript NM_006005.3 (MANE Select); 1317 bases into the intron before coding-DNA position 713, A replaced by G.
Molecular consequence: intron variant.
Genome position (GRCh38, 1-based): chr4:6,293,724, A>G. VCF-style: chr4-6293724-A-G. GRCh37 (hg19) VCF-style: chr4-6295451-A-G.
Other names: c.713-1317A>G (NM_001145853.1).
Identifiers: ClinVar variation 684347 (VCV000684347.1), dbSNP rs10937720, ClinGen allele CA11634639.